The following is an entry in ClinVar:

ClinVar aggregate classification (germline): Pathogenic. Review status: criteria provided, multiple submitters, no conflicts (2 of 4 stars). 11 submissions from 11 submitters: Pathogenic (10). 1 of the submissions does not count toward it. Last evaluated 2024-09-28.

Conditions:
DYSF-related disorder. Also called: DYSF-related condition; DYSF-related disorders.
Distal myopathy with anterior tibial onset. Identifiers: Orphanet 178400, MedGen C1847532, MONDO:0011721, OMIM 606768.
Miyoshi muscular dystrophy 1 (MMD1). Identifiers: Orphanet 45448, MedGen C4551973, MONDO:0024545, OMIM 254130.
Autosomal recessive limb-girdle muscular dystrophy type 2B (LGMDR2). Also called: MUSCULAR DYSTROPHY, LIMB-GIRDLE, AUTOSOMAL RECESSIVE 2; Limb-girdle muscular dystrophy, type 2B; Limb-Girdle Muscular Dystrophy Type 2B (LGMD2B); MUSCULAR DYSTROPHY, LIMB-GIRDLE, TYPE 3. Identifiers: Orphanet 268, MedGen C1850889, MONDO:0009676, OMIM 253601.
Neuromuscular disease caused by qualitative or quantitative defects of dysferlin. Also called: Dysferlinopathy; Qualitative or quantitative defects of dysferlin. Identifiers: Orphanet 207073, MedGen C2931687, MONDO:0016145.

Allele frequency attached by ClinVar (database versions not stated): gnomAD exomes below 0.00001; TOPMed below 0.00001; ExAC 0.00001.
gnomAD v4.1: 2 of 1,611,686 alleles (0.00012%); highest among the groups gnomAD compares: Non-Finnish European, 0.000085%; no homozygotes.

Submissions (11):

3billion
Classification: Pathogenic for Autosomal recessive limb-girdle muscular dystrophy type 2B. Last evaluated: 2024-09-28. Review status: criteria provided, single submitter. Criteria: ACMG Guidelines, 2015. Collection method: clinical testing. Allele origin: germline. Affected: yes.
Comment: The variant is observed at an extremely low frequency in the gnomAD v4.1.0 dataset (total allele frequency: <0.001%). Predicted Consequence/Location: Stop-gained (nonsense): predicted to result in a loss or disruption of normal protein function through nonsense-mediated decay (NMD) or protein truncation. Multiple pathogenic variants are reported downstream of the variant. The variant has been reported at least twice as pathogenic with clinical assertions and evidence for the classification (ClinVar ID: VCV000197433 /PMID: 25868377 /3billion dataset). Therefore, this variant is classified as Pathogenic according to the recommendation of ACMG/AMP guideline.

Natera, Inc.
Classification: Pathogenic for Limb-girdle muscular dystrophy type 2B. Last evaluated: 2024-05-09. Review status: criteria provided, single submitter. Criteria: Natera Variant Classification Schema (03/2026). Collection method: clinical testing. Allele origin: germline.
Comment: The c.4434G>A variant in DYSF is a nonsense variant predicted to introduce a stop codon at amino acid 1478. This variant is expected to result in nonsense mediated decay, truncation, or a dysfunctional protein product. This variant is rare in the general population with a frequency below the threshold expected for the associated phenotype(s). This variant has been observed in one or more individuals affected with the associated recessive disease, as either homozygous or compound heterozygous with a second variant (PMID: 25868377, 31439488, 35198268). Given the available evidence, this variant is classified as Pathogenic.

Baylor Genetics
Classification: Pathogenic for Miyoshi muscular dystrophy 1. Last evaluated: 2024-02-26. Review status: criteria provided, single submitter. Criteria: ACMG Guidelines, 2015. Collection method: clinical testing. Allele origin: unknown.

Labcorp Genetics (formerly Invitae), Labcorp
Classification: Pathogenic for Neuromuscular disease caused by qualitative or quantitative defects of dysferlin. Last evaluated: 2024-02-14. Review status: criteria provided, single submitter. Criteria: Invitae Variant Classification Sherloc (09022015). Collection method: clinical testing. Allele origin: germline.
Comment: This sequence change creates a premature translational stop signal (p.Trp1478*) in the DYSF gene. It is expected to result in an absent or disrupted protein product. Loss-of-function variants in DYSF are known to be pathogenic (PMID: 17698709, 20301480). This variant is present in population databases (rs766016391, gnomAD 0.0009%). This premature translational stop signal has been observed in individuals with LGMD and/or proximodistal myopathy (PMID: 17698709, 25868377). ClinVar contains an entry for this variant (Variation ID: 197433). For these reasons, this variant has been classified as Pathogenic.

Mayo Clinic Laboratories, Mayo Clinic
Classification: Pathogenic. Last evaluated: 2024-01-11. Review status: criteria provided, single submitter. Criteria: ACMG Guidelines, 2015. Collection method: clinical testing. Allele origin: germline. Observed: 1 variant allele.
Comment: PP4, PM2_moderate, PM3, PVS1

Revvity Omics, Revvity
Classification: Pathogenic. Last evaluated: 2023-12-13. Review status: criteria provided, single submitter. Criteria: ACMG Guidelines, 2015. Collection method: clinical testing. Allele origin: germline.

Blueprint Genetics
Classification: Pathogenic for DYSF-related disorders. Last evaluated: 2023-07-18. Review status: criteria provided, single submitter. Criteria: ACMG Guidelines, 2015. Collection method: clinical testing. Allele origin: germline. Affected: yes. Observed: 3 variant alleles.

Athena Diagnostics
Classification: Pathogenic. Last evaluated: 2022-05-12. Review status: criteria provided, single submitter. Criteria: Athena Diagnostics Criteria. Collection method: clinical testing. Allele origin: unknown.
Comment: This variant is expected to result in the loss of a functional protein. The frequency of this variant in the general population is consistent with pathogenicity. This variant has been seen in individuals with limb-girdle muscular dystrophy or myopathy.

Fulgent Genetics
Classification: Pathogenic for Autosomal recessive limb-girdle muscular dystrophy type 2B; Miyoshi muscular dystrophy 1; Distal myopathy with anterior tibial onset. Last evaluated: 2022-03-04. Review status: criteria provided, single submitter. Criteria: ACMG Guidelines, 2015. Collection method: clinical testing. Allele origin: unknown.

Eurofins Ntd Llc (ga)
Classification: Pathogenic. Last evaluated: 2016-10-02. Review status: criteria provided, single submitter. Criteria: EGL Classification Definitions 2015. Collection method: clinical testing. Allele origin: germline. Observed: 6 variant alleles, 5 heterozygotes, 1 homozygote.

Counsyl
Classification: Likely pathogenic for Autosomal recessive limb-girdle muscular dystrophy type 2B. Last evaluated: 2017-11-10. Review status: no assertion criteria provided. Collection method: clinical testing. Allele origin: unknown. Not counted in ClinVar's aggregate classification.

Literature cited by the submitters: PubMed 25868377 (cited by 6 submitters); PubMed 31439488 (cited by Natera, Inc.); PubMed 35198268 (cited by Natera, Inc.); PubMed 17698709 (cited by 4 submitters); PubMed 20301480 (cited by Labcorp Genetics (formerly Invitae), Labcorp); PubMed 32400077 (cited by Mayo Clinic Laboratories, Mayo Clinic); PubMed 33215690 (cited by Mayo Clinic Laboratories, Mayo Clinic); PubMed 36672942 (cited by Mayo Clinic Laboratories, Mayo Clinic).

NM_001130987.2(DYSF):c.4551G>A (p.Trp1517Ter)

Gene: DYSF (dysferlin; plus strand). Cytogenetic location: 2p13.2.
Variant type: single nucleotide variant.
Coding change: c.4551G>A on transcript NM_001130987.2 (MANE Select); coding-DNA position 4551, G replaced by A.
Protein change: p.Trp1517Ter; replaces tryptophan 1517 with a stop codon.
Molecular consequence: nonsense.
Genome position (GRCh38, 1-based): chr2:71,643,988, G>A. VCF-style: chr2-71643988-G-A. GRCh37 (hg19) VCF-style: chr2-71871118-G-A.
Other names: p.Trp1478*; c.4437G>A, p.Trp1479Ter (NM_001130455.2); c.4392G>A, p.Trp1464Ter (NM_001130976.2); c.4455G>A, p.Trp1485Ter (NM_001130977.2); c.4497G>A, p.Trp1499Ter (NM_001130978.2); c.4527G>A, p.Trp1509Ter (NM_001130979.2); c.4485G>A, p.Trp1495Ter (NM_001130980.2); c.4548G>A, p.Trp1516Ter (NM_001130981.2); and 6 more; short protein forms W1478*, W1517*, W1465*, W1486*, W1510*, W1516*, W1479*, W1499*.
Identifiers: ClinVar variation 197433 (VCV000197433.28), dbSNP rs766016391, ClinGen allele CA275268.
Genomic context (GRCh38, chr2:71,643,988, plus strand): 5'-TGTTTCTGAAATGGTCTCTTTCTTTCTACCCACTCAGGAGGAAGAGTTCATCGATTGGTG[G>A]AGCAAATTCTTTGCCTCCATAGGGGAGAGGGAAAAGTGCGGCTCCTACCTGGAGAAGGAT-3'